The following is an entry in ClinVar:

NM_139276.3(STAT3):c.1059C>T (p.Val353=)

Gene: STAT3 (signal transducer and activator of transcription 3; minus strand). Cytogenetic location: 17q21.2.
Variant type: single nucleotide variant.
Coding change: c.1059C>T on transcript NM_139276.3 (MANE Select); coding-DNA position 1059, C replaced by T.
Protein change: p.Val353=; no amino-acid change (valine 353 retained).
Molecular consequence: synonymous variant. On other transcripts: intron variant (1).
Genome position (GRCh38, 1-based): chr17:42,331,522, G>A on the plus strand (C>T on the coding strand, the complement: STAT3 is on the minus strand). VCF-style: chr17-42331522-G-A. GRCh37 (hg19) VCF-style: chr17-40483540-G-A.
Other names: c.1059C>T, p.Val353= (NM_001384984.1, NM_001384986.1, NM_001384987.1 and 14 more transcripts); c.981C>T, p.Val327= (NM_001384985.1); c.963C>T, p.Val321= (NM_001384989.1); c.1050-1746C>T (NM_001384992.1); c.1059C>T (NM_139276.2).
Identifiers: ClinVar variation 1102900 (VCV001102900.11), dbSNP rs774847480, ClinGen allele CA8575474.

ClinVar aggregate classification (germline): Likely benign. Review status: criteria provided, single submitter (1 of 4 stars). 2 submissions from 2 submitters: Likely benign (1). 1 of the submissions does not count toward it. Last evaluated 2025-06-30.

Conditions:
Hyper-IgE recurrent infection syndrome 1, autosomal dominant. Also called: JOB SYNDROME; STAT3 Hyper IgE Syndrome; Job's Syndrome; HYPER-IgE SYNDROME 1, AUTOSOMAL DOMINANT, WITH RECURRENT INFECTIONS; Hyper-IgE recurrent infection syndrome 1. Identifiers: Orphanet 2314, MedGen C2936739, MONDO:0007818, OMIM 147060.
STAT3 gain of function. Identifiers: MedGen C4288261.
STAT3-related disorder. Also called: STAT3-related condition.

Allele frequency attached by ClinVar (database versions not stated): gnomAD exomes 0.00001; ExAC 0.00002.
gnomAD v4.1: 9 of 1,613,732 alleles (0.00056%); highest among the groups gnomAD compares: Non-Finnish European, 0.00076%; no homozygotes.

Submissions (2):

Labcorp Genetics (formerly Invitae), Labcorp
Classification: Likely benign for STAT3 gain of function; Hyper-IgE recurrent infection syndrome 1, autosomal dominant. Last evaluated: 2025-06-30. Review status: criteria provided, single submitter. Criteria: Invitae Variant Classification Sherloc (09022015). Collection method: clinical testing. Allele origin: germline.

PreventionGenetics, part of Exact Sciences
Classification: Likely benign for STAT3-related condition. Last evaluated: 2020-11-30. Review status: no assertion criteria provided. Collection method: clinical testing. Allele origin: germline. Not counted in ClinVar's aggregate classification.
Comment: This variant is classified as likely benign based on ACMG/AMP sequence variant interpretation guidelines (Richards et al. 2015 PMID: 25741868, with internal and published modifications).